The following is an entry in ClinVar:

ClinVar aggregate classification (germline): Benign/Likely benign. Review status: criteria provided, multiple submitters, no conflicts (2 of 4 stars). 15 submissions from 11 submitters: Benign (11); Likely benign (1). 3 of the submissions do not count toward it. Last evaluated 2026-02-01.

Conditions:
Hypokalemic periodic paralysis, type 2 (HOKPP2). Identifiers: Orphanet 681, MedGen C2750061, MONDO:0013234, OMIM 613345.
Potassium-aggravated myotonia. Also called: MYOTONIA CONGENITA, ACETAZOLAMIDE-RESPONSIVE; MYOTONIA CONGENITA, ATYPICAL; SODIUM CHANNEL MUSCLE DISEASE; Myotonia congenita, atypical, acetazolamide-responsive. Identifiers: Orphanet 612, Orphanet 99734, Orphanet 99735, Orphanet 99736, MedGen C2931826, MONDO:0018959, OMIM 608390.
Hyperkalemic periodic paralysis. Also called: Familial hyperkalemic periodic paralysis; Gamstorp disease. Identifiers: Orphanet 682, MedGen C0238357, MONDO:0008224, OMIM 170500, HP:0007215.
Congenital myasthenic syndrome 16. Identifiers: Orphanet 590, MedGen C3280112, MONDO:0013620, OMIM 614198.
Paramyotonia congenita of Von Eulenburg. Also called: PARALYSIS PERIODICA PARAMYOTONICA; Paramyotonia Congenita; Eulenburg disease; Myotonia congenita intermittens; Von Eulenburg paramyotonia congenita. Identifiers: Orphanet 684, MedGen C0221055, MONDO:0008195, OMIM 168300. Disease mechanism: loss of function.
Hypokalemic periodic paralysis, type 1. Also called: HypoPP; Hypokalemic Periodic Paralysis Type 1 (AD). Identifiers: Orphanet 681, MedGen C3714580, MONDO:0042979, OMIM 170400.

Allele frequency attached by ClinVar (database versions not stated): ExAC 0.00291; gnomAD exomes 0.00165 and 0.00069; gnomAD 0.00738 and 0.00689; 1000 Genomes Project 30x 0.00921; TOPMed 0.00751; 1000 Genomes Project 0.00859; ESP Exome Variant Server 0.00651.
gnomAD v4.1: 2,081 of 1,609,304 alleles (0.13%); highest among the groups gnomAD compares: African/African-American, 2.5%; 30 homozygotes.

Submissions (15):

Labcorp Genetics (formerly Invitae), Labcorp
Classification: Benign for Hyperkalemic periodic paralysis. Last evaluated: 2026-02-01. Review status: criteria provided, single submitter. Criteria: Invitae Variant Classification Sherloc (09022015). Collection method: clinical testing. Allele origin: germline.

Mayo Clinic Laboratories, Mayo Clinic
Classification: Benign. Last evaluated: 2025-04-23. Review status: criteria provided, single submitter. Criteria: ACMG Guidelines, 2015. Collection method: clinical testing. Allele origin: germline. Observed: 2 variant alleles.
Comment: BS1, BS2, BP4, BP7

Blueprint Genetics
Classification: Likely benign. Last evaluated: 2024-11-26. Review status: criteria provided, single submitter. Criteria: ACMG Guidelines, 2015. Collection method: clinical testing. Allele origin: germline.

Athena Diagnostics
Classification: Benign. Last evaluated: 2023-12-08. Review status: criteria provided, single submitter. Criteria: Athena Diagnostics Criteria. Collection method: clinical testing. Allele origin: unknown.

Fulgent Genetics
Classification: Benign for Paramyotonia congenita of Von Eulenburg; Hypokalemic periodic paralysis, type 1; Hyperkalemic periodic paralysis; Potassium-aggravated myotonia; Hypokalemic periodic paralysis, type 2; Congenital myasthenic syndrome 16. Last evaluated: 2022-02-13. Review status: criteria provided, single submitter. Criteria: ACMG Guidelines, 2015. Collection method: clinical testing. Allele origin: unknown.

Illumina Laboratory Services, Illumina
Classification: Benign for Congenital myasthenic syndrome 16. Last evaluated: 2018-01-13. Review status: criteria provided, single submitter. Criteria: ICSL Variant Classification Criteria 13 December 2019. Collection method: clinical testing. Allele origin: germline.
Comment: This variant was observed in the ICSL laboratory as part of a predisposition screen in an ostensibly healthy population. It had not been previously curated by ICSL or reported in the Human Gene Mutation Database (HGMD: prior to June 1st, 2018), and was therefore a candidate for classification through an automated scoring system. Utilizing variant allele frequency, disease prevalence and penetrance estimates, and inheritance mode, an automated score was calculated to assess if this variant is too frequent to cause the disease. Based on the score and internal cut-off values, a variant classified as benign is not then subjected to further curation. The score for this variant resulted in a classification of benign for this disease.

Illumina Laboratory Services, Illumina
Classification: Benign for Hypokalemic periodic paralysis, type 2. Last evaluated: 2018-01-13. Review status: criteria provided, single submitter. Criteria: ICSL Variant Classification Criteria 13 December 2019. Collection method: clinical testing. Allele origin: germline.
Comment: the same text as in the submission from Illumina Laboratory Services, Illumina above.

Illumina Laboratory Services, Illumina
Classification: Benign for Paramyotonia congenita of Von Eulenburg. Last evaluated: 2018-01-13. Review status: criteria provided, single submitter. Criteria: ICSL Variant Classification Criteria 13 December 2019. Collection method: clinical testing. Allele origin: germline.
Comment: the same text as in the submission from Illumina Laboratory Services, Illumina above.

Illumina Laboratory Services, Illumina
Classification: Benign for Hyperkalemic periodic paralysis. Last evaluated: 2018-01-13. Review status: criteria provided, single submitter. Criteria: ICSL Variant Classification Criteria 13 December 2019. Collection method: clinical testing. Allele origin: germline.
Comment: the same text as in the submission from Illumina Laboratory Services, Illumina above.

Illumina Laboratory Services, Illumina
Classification: Benign for Potassium-aggravated myotonia. Last evaluated: 2018-01-13. Review status: criteria provided, single submitter. Criteria: ICSL Variant Classification Criteria 13 December 2019. Collection method: clinical testing. Allele origin: germline.
Comment: the same text as in the submission from Illumina Laboratory Services, Illumina above.

GeneDx
Classification: Benign. Last evaluated: 2017-12-06. Review status: criteria provided, single submitter. Criteria: GeneDx Variant Classification (06012015). Collection method: clinical testing. Allele origin: germline. Affected: yes.
Comment: This variant is considered likely benign or benign based on one or more of the following criteria: it is a conservative change, it occurs at a poorly conserved position in the protein, it is predicted to be benign by multiple in silico algorithms, and/or has population frequency not consistent with disease.

PreventionGenetics, part of Exact Sciences
Classification: Benign. Review status: criteria provided, single submitter. Criteria: ACMG Guidelines, 2015. Collection method: clinical testing. Allele origin: germline.

Genetic Services Laboratory, University of Chicago
Classification: Likely benign for AllHighlyPenetrant. Review status: no assertion criteria provided. Collection method: clinical testing. Allele origin: germline. Inheritance: Autosomal recessive inheritance. Not counted in ClinVar's aggregate classification.
Comment: Likely benign based on allele frequency in 1000 Genomes Project or ESP global frequency and its presence in a patient with a rare or unrelated disease phenotype. NOT Sanger confirmed.

Genome Diagnostics Laboratory, University Medical Center Utrecht
Classification: Benign. Review status: no assertion criteria provided. Collection method: clinical testing. Allele origin: germline. Affected: yes. Study: VKGL Data-share Consensus. Not counted in ClinVar's aggregate classification.

Laboratory of Diagnostic Genome Analysis, Leiden University Medical Center (LUMC)
Classification: Likely benign. Review status: no assertion criteria provided. Collection method: clinical testing. Allele origin: germline. Affected: yes. Study: VKGL Data-share Consensus. Not counted in ClinVar's aggregate classification.

NM_000334.4(SCN4A):c.3441+7G>A

Genes: GH-LCR (growth hormone locus control region; plus strand), SCN4A (sodium voltage-gated channel alpha subunit 4; minus strand). Cytogenetic location: 17q23.3.
Variant type: single nucleotide variant.
Coding change: c.3441+7G>A on transcript NM_000334.4 (MANE Select); 7 bases into the intron after coding-DNA position 3441, G replaced by A.
Molecular consequence: intron variant.
Genome position (GRCh38, 1-based): chr17:63,947,038, C>T on the plus strand (G>A on the coding strand, the complement: SCN4A is on the minus strand). VCF-style: chr17-63947038-C-T. GRCh37 (hg19) VCF-style: chr17-62024398-C-T.
Other names: p.?.
Identifiers: ClinVar variation 130232 (VCV000130232.28), dbSNP rs142270113, ClinGen allele CA155074.